The following is an entry in ClinVar:

ClinVar aggregate classification (germline): Uncertain significance (1 of 4 stars; one submission).

Conditions:
Hereditary cancer-predisposing syndrome. Also called: Neoplastic Syndromes, Hereditary; Tumor predisposition; Hereditary Cancer Syndrome; Hereditary neoplastic syndrome. Identifiers: Orphanet 140162, MedGen C0027672, MeSH D009386, MONDO:0015356.

Submission:

Ambry Genetics
Classification: Uncertain significance for Hereditary cancer-predisposing syndrome. Last evaluated: 2025-11-08. Review status: criteria provided, single submitter. Criteria: Ambry Variant Classification Scheme 2023. Collection method: clinical testing. Allele origin: germline.
Comment: The p.A118V variant (also known as c.353C>T), located in coding exon 1 of the ALK gene, results from a C to T substitution at nucleotide position 353. The alanine at codon 118 is replaced by valine, an amino acid with similar properties. This amino acid position is conserved. In addition, this alteration is predicted to be tolerated by in silico analysis. Based on the available evidence, the clinical significance of this variant remains unclear.

NM_004304.5(ALK):c.353C>T (p.Ala118Val)

Gene: ALK (ALK receptor tyrosine kinase; minus strand). Cytogenetic location: 2p23.1.
Variant type: single nucleotide variant.
Coding change: c.353C>T on transcript NM_004304.5 (MANE Select); coding-DNA position 353, C replaced by T.
Protein change: p.Ala118Val; replaces alanine 118 with valine.
Molecular consequence: missense variant.
Genome position (GRCh38, 1-based): chr2:29,920,307, G>A on the plus strand (C>T on the coding strand, the complement: ALK is on the minus strand). VCF-style: chr2-29920307-G-A. GRCh37 (hg19) VCF-style: chr2-30143173-G-A.
Other names: short protein forms A118V.
Identifiers: ClinVar variation 4678267 (VCV004678267.1).